The following is an entry in ClinVar:

NM_000116.5(TAFAZZIN):c.380T>G (p.Phe127Cys)

Gene: TAFAZZIN (tafazzin, phospholipid-lysophospholipid transacylase; plus strand). Cytogenetic location: Xq28.
Variant type: single nucleotide variant.
Coding change: c.380T>G on transcript NM_000116.5 (MANE Select); coding-DNA position 380, T replaced by G.
Protein change: p.Phe127Cys; replaces phenylalanine 127 with cysteine.
Molecular consequence: missense variant. On other transcripts: intron variant (2).
Genome position (GRCh38, 1-based): chrX:154,414,110, T>G. VCF-style: chrX-154414110-T-G. GRCh37 (hg19) VCF-style: chrX-153642447-T-G.
Other names: c.434T>G, p.Phe145Cys (NM_001303465.2); c.380T>G, p.Phe127Cys (NM_181312.4); c.370+543T>G (NM_181311.4, NM_181313.4); short protein forms F145C, F127C.
Identifiers: ClinVar variation 835805 (VCV000835805.1), dbSNP rs2068411768, ClinGen allele CA415182350.

ClinVar aggregate classification (germline): Uncertain significance (1 of 4 stars; one submission).

Conditions:
3-Methylglutaconic aciduria type 2 (BTHS). Also called: Barth syndrome; CARDIOSKELETAL MYOPATHY WITH NEUTROPENIA AND ABNORMAL MITOCHONDRIA. Identifiers: Orphanet 111, MedGen C0574083, MONDO:0010543, OMIM 302060.

Submission:

Labcorp Genetics (formerly Invitae), Labcorp
Classification: Uncertain significance for 3-Methylglutaconic aciduria type 2. Last evaluated: 2019-02-11. Review status: criteria provided, single submitter. Criteria: Invitae Variant Classification Sherloc (09022015). Collection method: clinical testing. Allele origin: germline.
Comment: This sequence change replaces phenylalanine with cysteine at codon 127 of the TAZ protein (p.Phe127Cys). The phenylalanine residue is weakly conserved and there is a large physicochemical difference between phenylalanine and cysteine. This variant is not present in population databases (ExAC no frequency). This variant has not been reported in the literature in individuals with TAZ-related conditions. Algorithms developed to predict the effect of missense changes on protein structure and function (SIFT, PolyPhen-2, Align-GVGD) all suggest that this variant is likely to be tolerated, but these predictions have not been confirmed by published functional studies and their clinical significance is uncertain. In summary, the available evidence is currently insufficient to determine the role of this variant in disease. Therefore, it has been classified as a Variant of Uncertain Significance.